The following is an entry in ClinVar:

ClinVar aggregate classification (germline): Uncertain significance. Review status: criteria provided, multiple submitters, no conflicts (2 of 4 stars). 2 submissions from 2 submitters: Uncertain significance (2). Last evaluated 2024-07-03.

Conditions:
Inborn genetic diseases. Identifiers: MedGen C0950123, MeSH D030342.

gnomAD v4.1: 44 of 1,613,316 alleles (0.0027%); highest among the groups gnomAD compares: Non-Finnish European, 0.0036%; no homozygotes.

Submissions (2):

Mayo Clinic Laboratories, Mayo Clinic
Classification: Uncertain significance. Last evaluated: 2024-07-03. Review status: criteria provided, single submitter. Criteria: ACMG Guidelines, 2015. Collection method: clinical testing. Allele origin: germline. Observed: 1 variant allele.
Comment: BP4, PM2

Ambry Genetics
Classification: Uncertain significance for Inborn genetic diseases. Last evaluated: 2024-04-09. Review status: criteria provided, single submitter. Criteria: Ambry Variant Classification Scheme 2023. Collection method: clinical testing. Allele origin: germline.

NM_020944.3(GBA2):c.2200C>T (p.Arg734Cys)

Gene: GBA2 (glucosylceramidase beta 2; minus strand). Cytogenetic location: 9p13.3.
Variant type: single nucleotide variant.
Coding change: c.2200C>T on transcript NM_020944.3 (MANE Select); coding-DNA position 2200, C replaced by T.
Protein change: p.Arg734Cys; replaces arginine 734 with cysteine.
Molecular consequence: missense variant.
Genome position (GRCh38, 1-based): chr9:35,738,150, G>A on the plus strand (C>T on the coding strand, the complement: GBA2 is on the minus strand). VCF-style: chr9-35738150-G-A. GRCh37 (hg19) VCF-style: chr9-35738147-G-A.
Other names: p.Arg734Cys; c.2200C>T, p.Arg734Cys (NM_001330660.2); short protein forms R734C.
Identifiers: ClinVar variation 3280887 (VCV003280887.2).